The following is an entry in ClinVar:

ClinVar aggregate classification (germline): Uncertain significance (1 of 4 stars; one submission).

Conditions:
Kostmann syndrome (SCN3). Also called: KOSTMANN DISEASE; Autosomal recessive severe congenital neutropenia type 3. Identifiers: Orphanet 99749, MedGen C5235141, MONDO:0012548, OMIM 610738.

Submission:

Labcorp Genetics (formerly Invitae), Labcorp
Classification: Uncertain significance for Kostmann syndrome. Last evaluated: 2023-10-03. Review status: criteria provided, single submitter. Criteria: Invitae Variant Classification Sherloc (09022015). Collection method: clinical testing. Allele origin: germline.
Comment: This sequence change replaces proline, which is neutral and non-polar, with serine, which is neutral and polar, at codon 108 of the HAX1 protein (p.Pro108Ser). This variant is not present in population databases (gnomAD no frequency). This variant has not been reported in the literature in individuals affected with HAX1-related conditions. ClinVar contains an entry for this variant (Variation ID: 1720834). Advanced modeling of protein sequence and biophysical properties (such as structural, functional, and spatial information, amino acid conservation, physicochemical variation, residue mobility, and thermodynamic stability) performed at Invitae indicates that this missense variant is not expected to disrupt HAX1 protein function. In summary, the available evidence is currently insufficient to determine the role of this variant in disease. Therefore, it has been classified as a Variant of Uncertain Significance.

NM_006118.4(HAX1):c.322C>T (p.Pro108Ser)

Gene: HAX1 (HCLS1 associated protein X-1; plus strand). Cytogenetic location: 1q21.3.
Variant type: single nucleotide variant.
Coding change: c.322C>T on transcript NM_006118.4 (MANE Select); coding-DNA position 322, C replaced by T.
Protein change: p.Pro108Ser; replaces proline 108 with serine.
Molecular consequence: missense variant.
Genome position (GRCh38, 1-based): chr1:154,273,779, C>T. VCF-style: chr1-154273779-C-T. GRCh37 (hg19) VCF-style: chr1-154246255-C-T.
Other names: c.178C>T, p.Pro60Ser (NM_001018837.2); short protein forms P108S, P60S.
Identifiers: ClinVar variation 1720834 (VCV001720834.5), dbSNP rs2524933775, ClinGen allele CA342591930.